The following is an entry in ClinVar:

NM_178013.4(PRIMA1):c.80G>A (p.Trp27Ter)

Gene: PRIMA1 (proline rich membrane anchor 1; minus strand). Cytogenetic location: 14q32.12.
Variant type: single nucleotide variant.
Coding change: c.80G>A on transcript NM_178013.4 (MANE Select); coding-DNA position 80, G replaced by A.
Protein change: p.Trp27Ter; replaces tryptophan 27 with a stop codon.
Molecular consequence: nonsense.
Genome position (GRCh38, 1-based): chr14:93,787,639, C>T on the plus strand (G>A on the coding strand, the complement: PRIMA1 is on the minus strand). VCF-style: chr14-93787639-C-T. GRCh37 (hg19) VCF-style: chr14-94253985-C-T.
Other names: short protein forms W27*.
Identifiers: ClinVar variation 2913433 (VCV002913433.3), dbSNP rs2503468051, ClinGen allele CA391146924.

ClinVar aggregate classification (germline): Pathogenic (1 of 4 stars; one submission).

Conditions:
Familial sleep-related hypermotor epilepsy. Also called: Autosomal Dominant Sleep-Related Hypermotor (Hyperkinetic) Epilepsy. Identifiers: Orphanet 98784, MedGen C3696898, MONDO:0000030.

Submission:

Labcorp Genetics (formerly Invitae), Labcorp
Classification: Pathogenic for Familial sleep-related hypermotor epilepsy. Last evaluated: 2024-05-28. Review status: criteria provided, single submitter. Criteria: Invitae Variant Classification Sherloc (09022015). Collection method: clinical testing. Allele origin: germline.
Comment: This sequence change creates a premature translational stop signal (p.Trp27*) in the PRIMA1 gene. It is expected to result in an absent or disrupted protein product. Loss-of-function variants in PRIMA1 are known to be pathogenic (PMID: 26339676). This variant is not present in population databases (gnomAD no frequency). This variant has not been reported in the literature in individuals affected with PRIMA1-related conditions. For these reasons, this variant has been classified as Pathogenic.

Literature cited by the submitters: PubMed 26339676.